The following is an entry in ClinVar:

NM_199242.3(UNC13D):c.1607G>A (p.Arg536Gln)

Gene: UNC13D (unc-13 homolog D; minus strand). Cytogenetic location: 17q25.1.
Variant type: single nucleotide variant.
Coding change: c.1607G>A on transcript NM_199242.3 (MANE Select); coding-DNA position 1607, G replaced by A.
Protein change: p.Arg536Gln; replaces arginine 536 with glutamine.
Molecular consequence: missense variant.
Genome position (GRCh38, 1-based): chr17:75,835,767, C>T on the plus strand (G>A on the coding strand, the complement: UNC13D is on the minus strand). VCF-style: chr17-75835767-C-T. GRCh37 (hg19) VCF-style: chr17-73831848-C-T.
Other names: short protein forms R536Q.
Identifiers: ClinVar variation 1011221 (VCV001011221.7), dbSNP rs143305366, ClinGen allele CA8772873.

ClinVar aggregate classification (germline): Uncertain significance. Review status: criteria provided, multiple submitters, no conflicts (2 of 4 stars). 2 submissions from 2 submitters: Uncertain significance (2). Last evaluated 2022-09-23.

Conditions:
Familial hemophagocytic lymphohistiocytosis 3 (FHL3). Also called: UNC13D-Related Familial Hemophagocytic Lymphohistiocytosis (UNC13D-fHLH). Identifiers: Orphanet 540, MedGen C1837174, MONDO:0012146, OMIM 608898.

Allele frequency attached by ClinVar (database versions not stated): TOPMed 0.00002.

Submissions (2):

Blueprint Genetics
Classification: Uncertain significance. Last evaluated: 2022-09-23. Review status: criteria provided, single submitter. Criteria: ACMG Guidelines, 2015. Collection method: clinical testing. Allele origin: germline.

Labcorp Genetics (formerly Invitae), Labcorp
Classification: Uncertain significance for Familial hemophagocytic lymphohistiocytosis 3. Last evaluated: 2021-12-24. Review status: criteria provided, single submitter. Criteria: Invitae Variant Classification Sherloc (09022015). Collection method: clinical testing. Allele origin: germline.
Comment: This sequence change replaces arginine, which is basic and polar, with glutamine, which is neutral and polar, at codon 536 of the UNC13D protein (p.Arg536Gln). This variant is present in population databases (rs143305366, gnomAD 0.07%). This variant has not been reported in the literature in individuals affected with UNC13D-related conditions. ClinVar contains an entry for this variant (Variation ID: 1011221). Algorithms developed to predict the effect of missense changes on protein structure and function output the following: SIFT: "Not Available"; PolyPhen-2: "Benign"; Align-GVGD: "Not Available". The glutamine amino acid residue is found in multiple mammalian species, which suggests that this missense change does not adversely affect protein function. Algorithms developed to predict the effect of sequence changes on RNA splicing suggest that this variant may create or strengthen a splice site. In summary, the available evidence is currently insufficient to determine the role of this variant in disease. Therefore, it has been classified as a Variant of Uncertain Significance.